The following is an entry in ClinVar:

NM_152296.5(ATP1A3):c.219G>T (p.Pro73=)

Gene: ATP1A3 (ATPase Na+/K+ transporting subunit alpha 3; minus strand). Cytogenetic location: 19q13.2.
Variant type: single nucleotide variant.
Coding change: c.219G>T on transcript NM_152296.5 (MANE Select); coding-DNA position 219, G replaced by T.
Protein change: p.Pro73=; no amino-acid change (proline 73 retained).
Molecular consequence: synonymous variant.
Genome position (GRCh38, 1-based): chr19:41,988,074, C>A on the plus strand (G>T on the coding strand, the complement: ATP1A3 is on the minus strand). VCF-style: chr19-41988074-C-A. GRCh37 (hg19) VCF-style: chr19-42492226-C-A.
Other names: c.252G>T, p.Pro84= (NM_001256213.2); c.258G>T, p.Pro86= (NM_001256214.2).
Identifiers: ClinVar variation 2571892 (VCV002571892.1), dbSNP rs567997976, ClinGen allele CA507695635.

ClinVar aggregate classification (germline): Uncertain significance (1 of 4 stars; one submission).

Submission:

GeneDx
Classification: Uncertain significance. Last evaluated: 2023-01-06. Review status: criteria provided, single submitter. Criteria: GeneDx Variant Classification Process June 2021. Collection method: clinical testing. Allele origin: germline. Affected: yes.
Comment: Not observed at significant frequency in large population cohorts (gnomAD); Has not been previously published as pathogenic or benign to our knowledge; In silico analysis suggests this variant may impact gene splicing. In the absence of RNA/functional studies, the actual effect of this sequence change is unknown.